The following is an entry in ClinVar:

ClinVar aggregate classification (germline): Conflicting classifications of pathogenicity. Review status: criteria provided, conflicting classifications (1 of 4 stars). 4 submissions from 4 submitters: Uncertain significance (1); Benign (1); Likely benign (1). 1 of the submissions does not count toward it. Last evaluated 2025-12-04.

Conditions:
LPIN1-related disorder. Also called: LPIN1-related condition.
Myoglobinuria, acute recurrent, autosomal recessive. Also called: MYOGLOBINURIA, FAMILIAL PAROXYSMAL PARALYTIC; RHABDOMYOLYSIS, ACUTE RECURRENT; Myoglobinuria, recurrent, autosomal recessive. Identifiers: Orphanet 99845, MedGen C1849386, MONDO:0009992, OMIM 268200.

Allele frequency attached by ClinVar (database versions not stated): gnomAD 0.00006 and 0.00010; ESP Exome Variant Server 0.00008; TOPMed 0.00019; ExAC 0.00026; gnomAD exomes 0.00029; 1000 Genomes Project 30x 0.00031; 1000 Genomes Project 0.00040.

Submissions (4):

Labcorp Genetics (formerly Invitae), Labcorp
Classification: Benign. Last evaluated: 2025-12-04. Review status: criteria provided, single submitter. Criteria: Invitae Variant Classification Sherloc (09022015). Collection method: clinical testing. Allele origin: germline.

Blueprint Genetics
Classification: Likely benign. Last evaluated: 2024-10-03. Review status: criteria provided, single submitter. Criteria: ACMG Guidelines, 2015. Collection method: clinical testing. Allele origin: germline.

Illumina Laboratory Services, Illumina
Classification: Uncertain significance for Myoglobinuria, acute recurrent, autosomal recessive. Last evaluated: 2018-01-13. Review status: criteria provided, single submitter. Criteria: ICSL Variant Classification Criteria 13 December 2019. Collection method: clinical testing. Allele origin: germline.

PreventionGenetics, part of Exact Sciences
Classification: Likely benign for LPIN1-related condition. Last evaluated: 2022-02-03. Review status: no assertion criteria provided. Collection method: clinical testing. Allele origin: germline. Not counted in ClinVar's aggregate classification.
Comment: This variant is classified as likely benign based on ACMG/AMP sequence variant interpretation guidelines (Richards et al. 2015 PMID: 25741868, with internal and published modifications).

NM_001349206.2(LPIN1):c.2343G>A (p.Thr781=)

Gene: LPIN1 (lipin 1; plus strand). Cytogenetic location: 2p25.1.
Variant type: single nucleotide variant.
Coding change: c.2343G>A on transcript NM_001349206.2 (MANE Select); coding-DNA position 2343, G replaced by A.
Protein change: p.Thr781=; no amino-acid change (threonine 781 retained).
Molecular consequence: synonymous variant. On other transcripts: non-coding transcript variant (1).
Genome position (GRCh38, 1-based): chr2:11,815,181, G>A. VCF-style: chr2-11815181-G-A. GRCh37 (hg19) VCF-style: chr2-11955307-G-A.
Other names: c.2253G>A, p.Thr751= (NM_001261427.3); c.2490G>A, p.Thr830= (NM_001261428.3); c.2235G>A, p.Thr745= (NM_001349199.2, NM_145693.4); c.2313G>A, p.Thr771= (NM_001349200.2, NM_001349201.2); c.2340G>A, p.Thr780= (NM_001349202.2, NM_001349203.2); c.2343G>A, p.Thr781= (NM_001349204.2, NM_001349205.2); c.2433G>A, p.Thr811= (NM_001349207.2); c.2382G>A, p.Thr794= (NM_001349208.2).
Identifiers: ClinVar variation 893278 (VCV000893278.14), dbSNP rs139771618, ClinGen allele CA1534073.